The following is an entry in ClinVar:

ClinVar aggregate classification (germline): Pathogenic/Likely pathogenic. Review status: criteria provided, multiple submitters, no conflicts (2 of 4 stars). 4 submissions from 4 submitters: Pathogenic (3); Likely pathogenic (1). Last evaluated 2022-07-12.

Conditions:
Joubert syndrome 21 (JBTS21). Identifiers: MedGen C3810212, MONDO:0014288, OMIM 615636.

Allele frequency attached by ClinVar (database versions not stated): ExAC 0.00003.
gnomAD v4.1: 8 of 1,604,882 alleles (0.0005%); highest among the groups gnomAD compares: East Asian, 0.009%; no homozygotes.

Submissions (4):

Labcorp Genetics (formerly Invitae), Labcorp
Classification: Pathogenic for Joubert syndrome 21. Last evaluated: 2022-07-12. Review status: criteria provided, single submitter. Criteria: Invitae Variant Classification Sherloc (09022015). Collection method: clinical testing. Allele origin: germline.
Comment: This sequence change creates a premature translational stop signal (p.Arg378*) in the CSPP1 gene. It is expected to result in an absent or disrupted protein product. Loss-of-function variants in CSPP1 are known to be pathogenic (PMID: 24360807, 24360808). This variant is present in population databases (rs374703898, gnomAD 0.02%). This premature translational stop signal has been observed in individual(s) with Joubert syndrome (PMID: 24360808). ClinVar contains an entry for this variant (Variation ID: 217646). For these reasons, this variant has been classified as Pathogenic.

GeneDx
Classification: Likely pathogenic. Last evaluated: 2019-06-11. Review status: criteria provided, single submitter. Criteria: GeneDx Variant Classification Process June 2021. Collection method: clinical testing. Allele origin: germline. Affected: yes.
Comment: Previously reported in two siblings Joubert syndrome who had a second variant in CSPP1; however, information regarding the phase of the variants was not available, and it is unclear if these siblings were evaluated for other genes associated with Joubert syndrome (Tuz et al., 2014; Bachmann-Gagescu et al., 2015); Nonsense variant predicted to result in protein truncation or nonsense mediated decay in a gene for which loss-of-function is a known mechanism of disease; Not observed at a significant frequency in large population cohorts (Lek et al., 2016); This variant is associated with the following publications: (PMID: 26092869, 24360808)

UW Hindbrain Malformation Research Program, University of Washington
Classification: Pathogenic for Joubert syndrome 21. Last evaluated: 2015-02-23. Review status: criteria provided, single submitter. Criteria: Bachmann-Gagescu et al. (J Med Genet. 2015). Collection method: research. Allele origin: unknown. Affected: yes.

Juno Genomics, Hangzhou Juno Genomics, Inc
Classification: Pathogenic for Joubert syndrome 21. Review status: criteria provided, single submitter. Criteria: ACMG Guidelines, 2015. Collection method: clinical testing. Allele origin: germline. Affected: yes.
Comment: Null variant in a gene where loss of function (LOF) is a known mechanism of disease.;Absent from controls (or at extremely low frequency if recessive) in Genome Aggregation Database, Exome Sequencing Project, 1000 Genomes Project, or Exome Aggregation Consortium.;For recessive disorders, detected in trans with a pathogenic variant.

Literature cited by the submitters: PubMed 24360807 (cited by Labcorp Genetics (formerly Invitae), Labcorp); PubMed 24360808 (cited by Labcorp Genetics (formerly Invitae), Labcorp).

NM_001382391.1(CSPP1):c.1105C>T (p.Arg369Ter)

Gene: CSPP1 (centrosome and spindle pole associated protein 1; plus strand). Cytogenetic location: 8q13.2.
Variant type: single nucleotide variant.
Coding change: c.1105C>T on transcript NM_001382391.1 (MANE Select); coding-DNA position 1105, C replaced by T.
Protein change: p.Arg369Ter; replaces arginine 369 with a stop codon.
Molecular consequence: nonsense.
Genome position (GRCh38, 1-based): chr8:67,111,983, C>T. VCF-style: chr8-67111983-C-T. GRCh37 (hg19) VCF-style: chr8-68024218-C-T.
Other names: c.1033C>T, p.Arg345Ter (NM_001364870.1); c.1132C>T, p.Arg378Ter (NM_024790.7); c.250C>T, p.Arg84Ter (NM_001291339.2); c.1024C>T, p.Arg342Ter (NM_001363131.2, NM_001363133.2); c.1105C>T, p.Arg369Ter (NM_001363132.2); c.1213C>T, p.Arg405Ter (NM_001364869.1); short protein forms R378*, R342*, R84*, R405*, R345*, R369*.
Identifiers: ClinVar variation 217646 (VCV000217646.12), dbSNP rs374703898, ClinGen allele CA210307.
Genomic context (GRCh38, chr8:67,111,983, plus strand): 5'-ATACGATGCTTAAGAGTTAAGATTGTATTTTTCTCATACCACTATCTAGGAGGTGAAGAT[C>T]GAGAACTTATTCAGAGAAGGAAAGAGAAATACAGACTAGAACTGTTGGAACAAATGGCTG-3'